The following is an entry in ClinVar:

ClinVar aggregate classification (germline): Likely pathogenic. Review status: criteria provided, multiple submitters, no conflicts (2 of 4 stars). 3 submissions from 3 submitters: Likely pathogenic (3). Last evaluated 2025-08-20.

Conditions:
Glycogen storage disease type III (GSD3). Also called: FORBES DISEASE; Cori disease. Identifiers: Orphanet 366, MedGen C0017922, MONDO:0009291, OMIM 232400.

Allele frequency attached by ClinVar (database versions not stated): TOPMed below 0.00001.

Submissions (3):

Natera, Inc.
Classification: Likely pathogenic for Glycogen storage disease type III. Last evaluated: 2025-08-20. Review status: criteria provided, single submitter. Criteria: Natera Variant Classification Schema (03/2026). Collection method: clinical testing. Allele origin: germline.
Comment: The c.1284-1G>A variant in AGL is a canonical splice acceptor site variant predicted to affect pre-mRNA splicing, which may result in an abnormal transcript and altered protein product. This variant is expected to result in nonsense mediated decay, truncation, or a dysfunctional protein product. This variant is rare in the general population with a frequency below the threshold expected for the associated phenotype(s). Given the available evidence, this variant is classified as Likely Pathogenic.

First Genomix Gene Laboratory, Genetic Diagnostics Department
Classification: Likely pathogenic for Glycogen storage disease type III. Last evaluated: 2025-06-02. Review status: criteria provided, single submitter. Criteria: ACMG Guidelines, 2015. Collection method: clinical testing. Allele origin: germline. Inheritance: Autosomal recessive inheritance. Affected: no. Observed: 1 variant allele.

Baylor Genetics
Classification: Likely pathogenic for Glycogen storage disease type III. Last evaluated: 2023-08-31. Review status: criteria provided, single submitter. Criteria: ACMG Guidelines, 2015. Collection method: clinical testing. Allele origin: unknown.

NM_000642.3(AGL):c.1284-1G>A

Gene: AGL (amylo-alpha-1,6-glucosidase and 4-alpha-glucanotransferase; plus strand). Cytogenetic location: 1p21.2.
Variant type: single nucleotide variant.
Coding change: c.1284-1G>A on transcript NM_000642.3 (MANE Select); the canonical splice acceptor site of the intron before coding-DNA position 1284, G replaced by A.
Molecular consequence: splice acceptor variant.
Genome position (GRCh38, 1-based): chr1:99,876,457, G>A. VCF-style: chr1-99876457-G-A. GRCh37 (hg19) VCF-style: chr1-100342013-G-A.
Other names: c.1284-1G>A (NM_000643.3, NM_000644.3, NM_001425326.1 and 2 more transcripts); c.1236-1G>A (NM_000646.3); c.1083-1G>A (NM_001425327.1); c.1080-1G>A (NM_001425328.1, NM_001425329.1); c.906-1G>A (NM_001425332.1).
Identifiers: ClinVar variation 2680953 (VCV002680953.3), dbSNP rs1651537100, ClinGen allele CA341345764.
Genomic context (GRCh38, chr1:99,876,457, plus strand): 5'-ATTTATATTCTCTCCAAGGAGTTTCTTTGTATGGATTTAATATTTAATTATATTTTCATA[G>A]GTATTTTACTTTCCCATTTGAAGAGATAGACTTCTCCATGGAAGAATCTATGATTCATCT-3'